The following is an entry in ClinVar:

ClinVar aggregate classification (germline): Uncertain significance (1 of 4 stars; one submission).

Conditions:
Propionic acidemia (PROP). Also called: GLYCINEMIA, KETOTIC; HYPERGLYCINEMIA WITH KETOACIDOSIS AND LEUKOPENIA; KETOTIC HYPERGLYCINEMIA. Identifiers: Orphanet 35, MedGen C0268579, MONDO:0011628, OMIM 606054, HP:0003571.

Allele frequency attached by ClinVar (database versions not stated): gnomAD exomes below 0.00001.
gnomAD v4.1: 1 of 1,522,318 alleles (0.000066%); highest among the groups gnomAD compares: Non-Finnish European, 0.000088%; no homozygotes.

Submission:

Labcorp Genetics (formerly Invitae), Labcorp
Classification: Uncertain significance for Propionic acidemia. Last evaluated: 2024-01-22. Review status: criteria provided, single submitter. Criteria: Invitae Variant Classification Sherloc (09022015). Collection method: clinical testing. Allele origin: germline.
Comment: This sequence change replaces glycine, which is neutral and non-polar, with alanine, which is neutral and non-polar, at codon 7 of the PCCA protein (p.Gly7Ala). This variant is present in population databases (no rsID available, gnomAD 0.002%). This variant has not been reported in the literature in individuals affected with PCCA-related conditions. ClinVar contains an entry for this variant (Variation ID: 1994290). Advanced modeling of protein sequence and biophysical properties (such as structural, functional, and spatial information, amino acid conservation, physicochemical variation, residue mobility, and thermodynamic stability) has been performed at Invitae for this missense variant, however the output from this modeling did not meet the statistical confidence thresholds required to predict the impact of this variant on PCCA protein function. In summary, the available evidence is currently insufficient to determine the role of this variant in disease. Therefore, it has been classified as a Variant of Uncertain Significance.

NM_000282.4(PCCA):c.20G>C (p.Gly7Ala)

Gene: PCCA (propionyl-CoA carboxylase subunit alpha; plus strand). Cytogenetic location: 13q32.3.
Variant type: single nucleotide variant.
Coding change: c.20G>C on transcript NM_000282.4 (MANE Select); coding-DNA position 20, G replaced by C.
Protein change: p.Gly7Ala; replaces glycine 7 with alanine.
Molecular consequence: missense variant. On other transcripts: 5 prime UTR variant (3), non-coding transcript variant (5).
Genome position (GRCh38, 1-based): chr13:100,089,140, G>C. VCF-style: chr13-100089140-G-C. GRCh37 (hg19) VCF-style: chr13-100741394-G-C.
Other names: c.20G>C, p.Gly7Ala (NM_001127692.3, NM_001178004.2, NM_001352605.2 and 4 more transcripts); c.-847G>C (NM_001352610.2, NM_001352611.2, NM_001352612.2); short protein forms G7A.
Identifiers: ClinVar variation 1994290 (VCV001994290.4), dbSNP rs1283043748, ClinGen allele CA388692616.